The following is an entry in ClinVar:

ClinVar aggregate classification (germline): Uncertain significance (0 of 4 stars; one submission).

Conditions:
Osteogenesis imperfecta (OI). Identifiers: Orphanet 666, MedGen C0029434, MeSH D010013, MONDO:0019019.

Submission:

Diagnostics Division, CENTRE FOR DNA FINGERPRINTING AND DIAGNOSTICS
Classification: Uncertain significance for Osteogenesis imperfecta. Last evaluated: 2016-01-01. Review status: no assertion criteria provided. Collection method: clinical testing. Allele origin: unknown. Affected: yes. Observed: 1 homozygote.
Comment: Inframe deletion variant

NM_000942.5(PPIB):c.399_401dup (p.Gly134_Pro135insGly)

Genes: PPIB (peptidylprolyl isomerase B; minus strand), SNX22 (sorting nexin 22; plus strand). Cytogenetic location: 15q22.31.
Variant type: Duplication.
Coding change: c.399_401dup on transcript NM_000942.5 (MANE Select); coding-DNA positions 399 to 401, 3 bases duplicated (CGG; older notation c.399_401dupCGG).
Protein change: p.Gly134_Pro135insGly.
Molecular consequence: inframe insertion. On other transcripts: inframe indel (1), 3 prime UTR variant (1), non-coding transcript variant (1).
Genome position (GRCh38, 1-based): chr15:64,156,852-64,156,854, CCG duplicated on the plus strand (CGG on the coding strand, the reverse complement: PPIB is on the minus strand). VCF-style (leftmost placement, unchanged base first): chr15-64156851-C-CCCG. GRCh37 (hg19) VCF-style: chr15-64449050-C-CCCG.
Other names: c.399_401dupCGG (NM_000942.4); c.*2344_*2346dup (NM_024798.3).
Identifiers: ClinVar variation 266118 (VCV000266118.3), dbSNP rs886039912, ClinGen allele CA10588990.